The following is an entry in ClinVar:

ClinVar aggregate classification (germline): Uncertain significance. Review status: criteria provided, multiple submitters, no conflicts (2 of 4 stars). 2 submissions from 2 submitters: Uncertain significance (2). Last evaluated 2025-10-07.

Allele frequency attached by ClinVar (database versions not stated): ExAC 0.00001; TOPMed 0.00002; gnomAD 0.00001.
gnomAD v4.1: 11 of 1,613,700 alleles (0.00068%); highest among the groups gnomAD compares: Non-Finnish European, 0.00085%; no homozygotes.

Submissions (2):

Ambry Genetics
Classification: Uncertain significance. Last evaluated: 2025-10-07. Review status: criteria provided, single submitter. Criteria: Ambry Variant Classification Scheme 2023. Collection method: clinical testing. Allele origin: germline.

Labcorp Genetics (formerly Invitae), Labcorp
Classification: Uncertain significance. Last evaluated: 2025-08-29. Review status: criteria provided, single submitter. Criteria: Invitae Variant Classification Sherloc (09022015). Collection method: clinical testing. Allele origin: germline.
Comment: This sequence change replaces valine, which is neutral and non-polar, with leucine, which is neutral and non-polar, at codon 46 of the SLC51B protein (p.Val46Leu). This variant is present in population databases (rs768347893, gnomAD 0.002%). This variant has not been reported in the literature in individuals affected with SLC51B-related conditions. ClinVar contains an entry for this variant (Variation ID: 2899413). An algorithm developed to predict the effect of missense changes on protein structure and function outputs the following: PolyPhen-2: "Benign". The leucine amino acid residue is found in multiple mammalian species, which suggests that this missense change does not adversely affect protein function. In summary, the available evidence is currently insufficient to determine the role of this variant in disease. Therefore, it has been classified as a Variant of Uncertain Significance.

NM_178859.4(SLC51B):c.136G>C (p.Val46Leu)

Genes: SLC51B (SLC51 subunit beta; plus strand), RASL12 (RAS like family 12; minus strand). Cytogenetic location: 15q22.31.
Variant type: single nucleotide variant.
Coding change: c.136G>C on transcript NM_178859.4 (MANE Select); coding-DNA position 136, G replaced by C.
Protein change: p.Val46Leu; replaces valine 46 with leucine.
Molecular consequence: missense variant.
Genome position (GRCh38, 1-based): chr15:65,051,553, G>C. VCF-style: chr15-65051553-G-C. GRCh37 (hg19) VCF-style: chr15-65343891-G-C.
Other names: c.136G>C (NM_178859.3); short protein forms V46L.
Identifiers: ClinVar variation 2899413 (VCV002899413.4), dbSNP rs768347893, ClinGen allele CA7613477.